The following is an entry in ClinVar:

ClinVar aggregate classification (germline): Uncertain significance (1 of 4 stars; one submission).

Conditions:
Inflammatory skin and bowel disease, neonatal, 1. Identifiers: Orphanet 294023, MedGen C3280501, MONDO:0013693, OMIM 614328.

Submission:

Labcorp Genetics (formerly Invitae), Labcorp
Classification: Uncertain significance for Inflammatory skin and bowel disease, neonatal, 1. Last evaluated: 2022-06-07. Review status: criteria provided, single submitter. Criteria: Invitae Variant Classification Sherloc (09022015). Collection method: clinical testing. Allele origin: germline.
Comment: This sequence change replaces isoleucine, which is neutral and non-polar, with asparagine, which is neutral and polar, at codon 378 of the ADAM17 protein (p.Ile378Asn). This variant is not present in population databases (gnomAD no frequency). This variant has not been reported in the literature in individuals affected with ADAM17-related conditions. Algorithms developed to predict the effect of missense changes on protein structure and function are either unavailable or do not agree on the potential impact of this missense change (SIFT: "Not Available"; PolyPhen-2: "Probably Damaging"; Align-GVGD: "Not Available"). In summary, the available evidence is currently insufficient to determine the role of this variant in disease. Therefore, it has been classified as a Variant of Uncertain Significance.

NM_003183.6(ADAM17):c.1133T>A (p.Ile378Asn)

Gene: ADAM17 (ADAM metallopeptidase domain 17; minus strand). Cytogenetic location: 2p25.1.
Variant type: single nucleotide variant.
Coding change: c.1133T>A on transcript NM_003183.6 (MANE Select); coding-DNA position 1133, T replaced by A.
Protein change: p.Ile378Asn; replaces isoleucine 378 with asparagine.
Molecular consequence: missense variant.
Genome position (GRCh38, 1-based): chr2:9,517,959, A>T on the plus strand (T>A on the coding strand, the complement: ADAM17 is on the minus strand). VCF-style: chr2-9517959-A-T. GRCh37 (hg19) VCF-style: chr2-9658088-A-T.
Other names: c.473T>A, p.Ile158Asn (NM_001382777.1); c.236T>A, p.Ile79Asn (NM_001382778.1); short protein forms I79N, I158N, I378N.
Identifiers: ClinVar variation 1975001 (VCV001975001.2), dbSNP rs942316087, ClinGen allele CA345779941.